The following is an entry in ClinVar:

NM_002519.3(NPAT):c.920T>C (p.Met307Thr)

Gene: NPAT (nuclear protein, coactivator of histone transcription; minus strand). Cytogenetic location: 11q22.3.
Variant type: single nucleotide variant.
Coding change: c.920T>C on transcript NM_002519.3 (MANE Select); coding-DNA position 920, T replaced by C.
Protein change: p.Met307Thr; replaces methionine 307 with threonine.
Molecular consequence: missense variant.
Genome position (GRCh38, 1-based): chr11:108,177,077, A>G on the plus strand (T>C on the coding strand, the complement: NPAT is on the minus strand). VCF-style: chr11-108177077-A-G. GRCh37 (hg19) VCF-style: chr11-108047804-A-G.
Other names: c.920T>C, p.Met307Thr (NM_001321307.1); short protein forms M307T.
Identifiers: ClinVar variation 3407274 (VCV003407274.1).

ClinVar aggregate classification (germline): Uncertain significance (1 of 4 stars; one submission).

gnomAD v4.1: 2 of 1,610,362 alleles (0.00012%); highest among the groups gnomAD compares: Non-Finnish European, 0.00017%; no homozygotes.

Submission:

Ambry Genetics
Classification: Uncertain significance. Last evaluated: 2024-11-14. Review status: criteria provided, single submitter. Criteria: Ambry Variant Classification Scheme 2023. Collection method: clinical testing. Allele origin: germline.
Comment: The p.M307T variant (also known as c.920T>C), located in coding exon 11 of the NPAT gene, results from a T to C substitution at nucleotide position 920. The methionine at codon 307 is replaced by threonine, an amino acid with similar properties. This amino acid position is conserved. In addition, the in silico prediction for this alteration is inconclusive. Based on the available evidence, the clinical significance of this variant remains unclear.